The following is an entry in ClinVar:

ClinVar aggregate classification (germline): Pathogenic (1 of 4 stars; one submission).

Submission:

GeneDx
Classification: Pathogenic. Last evaluated: 2024-07-22. Review status: criteria provided, single submitter. Criteria: GeneDx Variant Classification Process June 2021. Collection method: clinical testing. Allele origin: germline. Affected: yes.
Comment: Frameshift variant predicted to result in abnormal protein length as the last 181 amino acids are replaced with 5 different amino acids, and other similar variants have been reported in HGMD; Not observed at significant frequency in large population cohorts (gnomAD); Has not been previously published as pathogenic or benign to our knowledge; This variant is associated with the following publications: (PMID: 36555431)

NM_003620.4(PPM1D):c.1273del (p.Asp425fs)

Gene: PPM1D (protein phosphatase, Mg2+/Mn2+ dependent 1D; plus strand). Cytogenetic location: 17q23.2.
Variant type: Deletion.
Coding change: c.1273del on transcript NM_003620.4 (MANE Select); coding-DNA position 1273, one base deleted (G; older notation c.1273delG).
Protein change: p.Asp425fs; shifts the reading frame from aspartic acid 425.
Molecular consequence: frameshift variant.
Genome position (GRCh38, 1-based): chr17:60,663,007, G deleted; the last of 2 consecutive G bases (chr17:60,663,006-60,663,007); deleting either gives the same sequence. VCF-style (leftmost placement, unchanged base first): chr17-60663005-AG-A. GRCh37 (hg19) VCF-style: chr17-58740366-AG-A.
Other names: c.1273delG, p.Asp425Ilefs (NM_003620.3); short protein forms D425fs.
Identifiers: ClinVar variation 3600723 (VCV003600723.1).